The following is an entry in ClinVar:

NM_000890.5(KCNJ5):c.302G>C (p.Trp101Ser)

Gene: KCNJ5 (potassium inwardly rectifying channel subfamily J member 5; plus strand). Cytogenetic location: 11q24.3.
Variant type: single nucleotide variant.
Coding change: c.302G>C on transcript NM_000890.5 (MANE Select); coding-DNA position 302, G replaced by C.
Protein change: p.Trp101Ser; replaces tryptophan 101 with serine.
Molecular consequence: missense variant.
Genome position (GRCh38, 1-based): chr11:128,911,575, G>C. VCF-style: chr11-128911575-G-C. GRCh37 (hg19) VCF-style: chr11-128781470-G-C.
Other names: c.302G>C, p.Trp101Ser (NM_001354169.2); short protein forms W101S.
Identifiers: ClinVar variation 3232294 (VCV003232294.1), dbSNP rs2135998824, ClinGen allele CA383247046.
Genomic context (GRCh38, chr11:128,911,575, plus strand): 5'-TGGTGGACCTCAAGTGGCGCTTCAACTTGCTCGTCTTCACCATGGTTTACACTGTCACCT[G>C]GCTGTTCTTCGGCTTCATTTGGTGGCTCATTGCTTATATCCGGGGTGACCTGGACCATGT-3'
Protein context (NP_000881.3, residues 91-111): LVFTMVYTVT[Trp101Ser]LFFGFIWWLI

ClinVar aggregate classification (germline): Uncertain significance (1 of 4 stars; one submission).

Conditions:
Cardiovascular phenotype. Identifiers: MedGen CN230736.

Submission:

Ambry Genetics
Classification: Uncertain significance for Cardiovascular phenotype. Last evaluated: 2023-12-07. Review status: criteria provided, single submitter. Criteria: Ambry Variant Classification Scheme 2023. Collection method: clinical testing. Allele origin: germline.
Comment: The p.W101S variant (also known as c.302G>C), located in coding exon 1 of the KCNJ5 gene, results from a G to C substitution at nucleotide position 302. The tryptophan at codon 101 is replaced by serine, an amino acid with highly dissimilar properties. This amino acid position is highly conserved in available vertebrate species. In addition, this alteration is predicted to be deleterious by in silico analysis. Since supporting evidence is limited at this time, the clinical significance of this alteration remains unclear.